The following is an entry in ClinVar:

ClinVar aggregate classification (germline): Pathogenic (1 of 4 stars; one submission).

Submission:

Labcorp Genetics (formerly Invitae), Labcorp
Classification: Pathogenic. Last evaluated: 2024-03-14. Review status: criteria provided, single submitter. Criteria: Invitae Variant Classification Sherloc (09022015). Collection method: clinical testing. Allele origin: germline.
Comment: This sequence change creates a premature translational stop signal (p.Tyr492*) in the LIFR gene. It is expected to result in an absent or disrupted protein product. Loss-of-function variants in LIFR are known to be pathogenic (PMID: 14740318). This variant is not present in population databases (gnomAD no frequency). This variant has not been reported in the literature in individuals affected with LIFR-related conditions. For these reasons, this variant has been classified as Pathogenic.

Literature cited by the submitters: PubMed 14740318.

NM_001127671.2(LIFR):c.1475dup (p.Tyr492Ter)

Gene: LIFR (LIF receptor subunit alpha; minus strand). Cytogenetic location: 5p13.1.
Variant type: Duplication.
Coding change: c.1475dup on transcript NM_001127671.2 (MANE Select); coding-DNA position 1475, one base duplicated (A; older notation c.1475dupA).
Protein change: p.Tyr492Ter; replaces tyrosine 492 with a stop codon.
Molecular consequence: nonsense.
Genome position (GRCh38, 1-based): chr5:38,502,762, T duplicated on the plus strand (A on the coding strand, the reverse complement: LIFR is on the minus strand). VCF-style (leftmost placement, unchanged base first): chr5-38502761-A-AT. GRCh37 (hg19) VCF-style: chr5-38502863-A-AT.
Other names: c.1475dup, p.Tyr492Ter (NM_001364297.2, NM_001364298.2, NM_002310.6); short protein forms Y492*.
Identifiers: ClinVar variation 3645988 (VCV003645988.2).
Genomic context (GRCh38, chr5:38,502,761, plus strand): 5'-AGAACAACGAATCCGAAAAGTATATAGAGTGTATGGATTTAACTTGTCCAGAGCAACAAG[A>AT]TAACTTGAATTTTCTACTCCTTTGATTGTGACATTCCGCTATTGGAAAACAAATAAATAT-3'